The following is an entry in ClinVar:

ClinVar aggregate classification (germline): Uncertain significance. Review status: criteria provided, multiple submitters, no conflicts (2 of 4 stars). 6 submissions from 6 submitters: Uncertain significance (6). Last evaluated 2026-01-08.

Conditions:
Fanconi anemia complementation group P. Also called: SLX4-Related Fanconi Anemia. Identifiers: Orphanet 84, MedGen C3469542, MONDO:0013499, OMIM 613951.
Inborn genetic diseases. Identifiers: MedGen C0950123, MeSH D030342.
Fanconi anemia (FA). Also called: Fanconi's anemia. Identifiers: Orphanet 84, MedGen C0015625, MeSH D005199, MONDO:0019391.

Allele frequency attached by ClinVar (database versions not stated): ESP Exome Variant Server 0.00023; gnomAD 0.00034 and 0.00035; TOPMed 0.00036; 1000 Genomes Project 30x 0.00047; 1000 Genomes Project 0.00060.
gnomAD v4.1: 106 of 1,604,038 alleles (0.0066%); highest among the groups gnomAD compares: African/African-American, 0.087%; no homozygotes.

Submissions (6):

Labcorp Genetics (formerly Invitae), Labcorp
Classification: Uncertain significance for Fanconi anemia. Last evaluated: 2026-01-08. Review status: criteria provided, single submitter. Criteria: Invitae Variant Classification Sherloc (09022015). Collection method: clinical testing. Allele origin: germline.
Comment: This sequence change replaces alanine, which is neutral and non-polar, with serine, which is neutral and polar, at codon 1462 of the SLX4 protein (p.Ala1462Ser). This variant is present in population databases (rs138484365, gnomAD 0.04%). This variant has not been reported in the literature in individuals affected with SLX4-related conditions. ClinVar contains an entry for this variant (Variation ID: 436778). An algorithm developed to predict the effect of missense changes on protein structure and function outputs the following: PolyPhen-2: "Benign". The serine amino acid residue is found in multiple mammalian species, which suggests that this missense change does not adversely affect protein function. In summary, the available evidence is currently insufficient to determine the role of this variant in disease. Therefore, it has been classified as a Variant of Uncertain Significance.

Ambry Genetics
Classification: Uncertain significance for Inborn genetic diseases. Last evaluated: 2024-04-20. Review status: criteria provided, single submitter. Criteria: Ambry Variant Classification Scheme 2023. Collection method: clinical testing. Allele origin: germline.

Fulgent Genetics
Classification: Uncertain significance for Fanconi anemia complementation group P. Last evaluated: 2022-04-12. Review status: criteria provided, single submitter. Criteria: ACMG Guidelines, 2015. Collection method: clinical testing. Allele origin: unknown.

Baylor Genetics
Classification: Uncertain significance for Fanconi anemia complementation group P. Last evaluated: 2022-01-11. Review status: criteria provided, single submitter. Criteria: ACMG Guidelines, 2015. Collection method: clinical testing. Allele origin: unknown. Affected: yes. Study: CSER-TexasKidsCanSeq.
Comment: This variant was determined to be of uncertain significance according to ACMG Guidelines, 2015 [PMID:25741868].

Sema4
Classification: Uncertain significance for Fanconi anemia. Last evaluated: 2021-10-21. Review status: criteria provided, single submitter. Criteria: Sema4 Curation Guidelines. Collection method: curation. Allele origin: germline.
Comment: The SLX4 c.4384G>T (p.A1462S) variant has not been reported in the literature to our knowledge. It was observed in 9/24596 chromosomes of the African/African American subpopulation in the large and broad cohorts of the Genome Aggregation Database (PMID: 32461654). The variant has been reported in ClinVar (Variation ID 436778). In silico tools suggest the impact of the variant on protein function is benign, though these predictions have not been confirmed by functional studies. The evidence is insufficient to meet ACMG/AMP criteria for classifying the variant as benign or pathogenic. Thus, the clinical significance of this variant is currently uncertain.

Genetic Services Laboratory, University of Chicago
Classification: Uncertain significance. Last evaluated: 2016-03-10. Review status: criteria provided, single submitter. Criteria: ACMG Guidelines, 2015. Collection method: clinical testing. Allele origin: germline. Affected: no.

NM_032444.4(SLX4):c.4384G>T (p.Ala1462Ser)

Gene: SLX4 (SLX4 structure-specific endonuclease subunit; minus strand). Cytogenetic location: 16p13.3.
Variant type: single nucleotide variant.
Coding change: c.4384G>T on transcript NM_032444.4 (MANE Select); coding-DNA position 4384, G replaced by T.
Protein change: p.Ala1462Ser; replaces alanine 1462 with serine.
Molecular consequence: missense variant.
Genome position (GRCh38, 1-based): chr16:3,589,254, C>A on the plus strand (G>T on the coding strand, the complement: SLX4 is on the minus strand). VCF-style: chr16-3589254-C-A. GRCh37 (hg19) VCF-style: chr16-3639255-C-A.
Other names: c.4384G>T (LRG_503t1); short protein forms A1462S.
Identifiers: ClinVar variation 436778 (VCV000436778.20), dbSNP rs138484365, ClinGen allele CA7865664.
Genomic context (GRCh38, chr16:3,589,254, plus strand): 5'-AGCTTCCTCGGATGGGGGTGGTGTCCAGGAGTCCCGGGGAGCGACAGTCACGGCTGTCGG[C>A]GGCCTCGTTCATCCTGCGGCTGGGGCTGCTGGTGCTCAGGGGGCCGGTCCGCTCCAGGTT-3'
Protein context (NP_115820.2, residues 1452-1472): SSPSRRMNEA[Ala1462Ser]DSRDCRSPGL